The following is an entry in ClinVar:

ClinVar aggregate classification (germline): Likely benign (1 of 4 stars; one submission).

gnomAD v4.1: 6 of 1,613,956 alleles (0.00037%); highest among the groups gnomAD compares: Non-Finnish European, 0.00051%; no homozygotes.

Submission:

CeGaT Center for Human Genetics Tuebingen
Classification: Likely benign. Last evaluated: 2026-09-01. Review status: criteria provided, single submitter. Criteria: CeGaT Center For Human Genetics Tuebingen Variant Classification Criteria Version 2. Collection method: clinical testing. Allele origin: germline. Affected: yes. Observed: 1 variant allele.
Comment: SORL1: BP4, BP7

NM_003105.6(SORL1):c.5976C>G (p.Thr1992=)

Gene: SORL1 (sortilin related receptor 1; plus strand). Cytogenetic location: 11q24.1.
Variant type: single nucleotide variant.
Coding change: c.5976C>G on transcript NM_003105.6 (MANE Select); coding-DNA position 5976, C replaced by G.
Protein change: p.Thr1992=; no amino-acid change (threonine 1992 retained).
Molecular consequence: synonymous variant.
Genome position (GRCh38, 1-based): chr11:121,621,150, C>G. VCF-style: chr11-121621150-C-G. GRCh37 (hg19) VCF-style: chr11-121491859-C-G.
Identifiers: ClinVar variation 5041228 (VCV005041228.1).
Genomic context (GRCh38, chr11:121,621,150, plus strand): 5'-CATAAGAAAGACTGACAGGAGCTACAAAGTAAAATCCCGTAACAGCACTGTGGAATACAC[C>G]CTTAACAAGTTGGAGCCTGGCGGGAAATACCACATCATTGTCCAACTGGGGAACATGAGC-3'
Protein context (NP_003096.2, residues 1982-2002): VKSRNSTVEY[Thr1992=]LNKLEPGGKY